The following is an entry in ClinVar:

ClinVar aggregate classification (germline): Likely benign. Review status: criteria provided, multiple submitters, no conflicts (2 of 4 stars). 2 submissions from 2 submitters: Likely benign (2). Last evaluated 2025-08-30.

Conditions:
CHARGE syndrome (CHARGE). Also called: Hittner Hirsch Kreh syndrome; CHARGE ASSOCIATION--COLOBOMA, HEART ANOMALY, CHOANAL ATRESIA, RETARDATION, GENITAL AND EAR ANOMALIES; Coloboma, heart anomaly, choanal atresia, retardation, genital and ear anomalies; CHARGE association; Hall-Hittner syndrome. Identifiers: Orphanet 138, MedGen C0265354, MONDO:0008965.

Allele frequency attached by ClinVar (database versions not stated): ExAC 0.00001.
gnomAD v4.1: 3 of 1,613,840 alleles (0.00019%); highest among the groups gnomAD compares: Non-Finnish European, 0.00025%; no homozygotes.

Submissions (2):

Labcorp Genetics (formerly Invitae), Labcorp
Classification: Likely benign for CHARGE syndrome. Last evaluated: 2025-08-30. Review status: criteria provided, single submitter. Criteria: Invitae Variant Classification Sherloc (09022015). Collection method: clinical testing. Allele origin: germline.

CeGaT Center for Human Genetics Tuebingen
Classification: Likely benign. Last evaluated: 2024-06-01. Review status: criteria provided, single submitter. Criteria: CeGaT Center For Human Genetics Tuebingen Variant Classification Criteria Version 2. Collection method: clinical testing. Allele origin: germline. Affected: yes. Observed: 1 variant allele.
Comment: CHD7: BP4, BP7

NM_017780.4(CHD7):c.3570C>A (p.Leu1190=)

Gene: CHD7 (chromodomain helicase DNA binding protein 7; plus strand). Cytogenetic location: 8q12.2.
Variant type: single nucleotide variant.
Coding change: c.3570C>A on transcript NM_017780.4 (MANE Select); coding-DNA position 3570, C replaced by A.
Protein change: p.Leu1190=; no amino-acid change (leucine 1190 retained).
Molecular consequence: synonymous variant. On other transcripts: intron variant (1).
Genome position (GRCh38, 1-based): chr8:60,830,369, C>A. VCF-style: chr8-60830369-C-A. GRCh37 (hg19) VCF-style: chr8-61742928-C-A.
Other names: c.1717-31860C>A (NM_001316690.1).
Identifiers: ClinVar variation 3250904 (VCV003250904.19), dbSNP rs752478875.